The following is an entry in ClinVar:

NM_004360.5(CDH1):c.574A>T (p.Ile192Phe)

Gene: CDH1 (cadherin 1; plus strand). Cytogenetic location: 16q22.1.
Variant type: single nucleotide variant.
Coding change: c.574A>T on transcript NM_004360.5 (MANE Select); coding-DNA position 574, A replaced by T.
Protein change: p.Ile192Phe; replaces isoleucine 192 with phenylalanine.
Molecular consequence: missense variant. On other transcripts: 5 prime UTR variant (2).
Genome position (GRCh38, 1-based): chr16:68,808,735, A>T. VCF-style: chr16-68808735-A-T. GRCh37 (hg19) VCF-style: chr16-68842638-A-T.
Other names: c.574A>T, p.Ile192Phe (NM_001317184.2); c.-1042A>T (NM_001317185.2); c.-1246A>T (NM_001317186.2); short protein forms I192F.
Identifiers: ClinVar variation 5033972 (VCV005033972.1).

ClinVar aggregate classification (germline): Uncertain significance (1 of 4 stars; one submission).

Conditions:
Hereditary cancer-predisposing syndrome. Also called: Neoplastic Syndromes, Hereditary; Tumor predisposition; Hereditary neoplastic syndrome; Hereditary Cancer Syndrome. Identifiers: Orphanet 140162, MedGen C0027672, MeSH D009386, MONDO:0015356.

Submission:

Ambry Genetics
Classification: Uncertain significance for Hereditary cancer-predisposing syndrome. Last evaluated: 2026-07-07. Review status: criteria provided, single submitter. Criteria: Ambry Variant Classification Scheme 2023. Collection method: clinical testing. Allele origin: germline.
Comment: The p.I192F variant (also known as c.574A>T), located in coding exon 5 of the CDH1 gene, results from an A to T substitution at nucleotide position 574. The isoleucine at codon 192 is replaced by phenylalanine, an amino acid with highly similar properties. This amino acid position is conserved. In addition, this alteration is predicted to be deleterious by in silico analysis. Based on the available evidence, the clinical significance of this variant remains unclear.